The following is an entry in ClinVar:

ClinVar aggregate classification (germline): Benign/Likely benign. Review status: criteria provided, multiple submitters, no conflicts (2 of 4 stars). 4 submissions from 4 submitters: Benign (1); Likely benign (3). Last evaluated 2026-03-27.

Conditions:
Ataxia-telangiectasia syndrome (AT). Also called: LOUIS-BAR SYNDROME; Ataxia-telangiectasia, complementation group E; Cerebello-oculocutaneous telangiectasia; Immunodeficiency with ataxia telangiectasia; Ataxia-telangiectasia, complementation group D; AT, COMPLEMENTATION GROUP C. Identifiers: Orphanet 100, MedGen C0004135, MONDO:0008840, OMIM 208900.
Hereditary cancer-predisposing syndrome. Also called: Tumor predisposition; Hereditary Cancer Syndrome; Neoplastic Syndromes, Hereditary; Hereditary neoplastic syndrome. Identifiers: Orphanet 140162, MedGen C0027672, MeSH D009386, MONDO:0015356.
Familial cancer of breast. Also called: hereditary breast carcinoma; Hereditary breast cancer; BREAST CANCER, FAMILIAL. Identifiers: Orphanet 227535, MedGen C0346153, MONDO:0016419, OMIM 114480. Disease mechanism: loss of function.

Allele frequency attached by ClinVar (database versions not stated): gnomAD exomes below 0.00001 and 0.00001.
gnomAD v4.1: 9 of 1,613,834 alleles (0.00056%); highest among the groups gnomAD compares: Non-Finnish European, 0.00076%; no homozygotes.

Submissions (4):

Ambry Genetics
Classification: Likely benign for Hereditary cancer-predisposing syndrome. Last evaluated: 2026-03-27. Review status: criteria provided, single submitter. Criteria: Ambry Variant Classification Scheme 2023. Collection method: clinical testing. Allele origin: germline.

Labcorp Genetics (formerly Invitae), Labcorp
Classification: Likely benign for Ataxia-telangiectasia syndrome. Last evaluated: 2025-12-09. Review status: criteria provided, single submitter. Criteria: Invitae Variant Classification Sherloc (09022015). Collection method: clinical testing. Allele origin: germline.

Myriad Genetics, Inc.
Classification: Benign for Familial cancer of breast. Last evaluated: 2024-05-22. Review status: criteria provided, single submitter. Criteria: Myriad Autosomal Dominant, Autosomal Recessive and X-Linked Classification Criteria (2023). Collection method: clinical testing. Allele origin: unknown.
Comment: This variant is considered benign. This variant is a silent/synonymous amino acid change and it is not expected to impact splicing.

Color Diagnostics, LLC DBA Color Health
Classification: Likely benign for Hereditary cancer-predisposing syndrome. Last evaluated: 2018-06-19. Review status: criteria provided, single submitter. Criteria: ACMG Guidelines, 2015. Collection method: clinical testing. Allele origin: germline.

NM_000051.4(ATM):c.5133C>T (p.Thr1711=)

Gene: ATM (ATM serine/threonine kinase; plus strand). Cytogenetic location: 11q22.3.
Variant type: single nucleotide variant.
Coding change: c.5133C>T on transcript NM_000051.4 (MANE Select); coding-DNA position 5133, C replaced by T.
Protein change: p.Thr1711=; no amino-acid change (threonine 1711 retained).
Molecular consequence: synonymous variant.
Genome position (GRCh38, 1-based): chr11:108,299,841, C>T. VCF-style: chr11-108299841-C-T. GRCh37 (hg19) VCF-style: chr11-108170568-C-T.
Other names: c.5133C>T, p.Thr1711= (NM_001351834.2).
Identifiers: ClinVar variation 628717 (VCV000628717.13), dbSNP rs1357021067, ClinGen allele CA476674719.
Genomic context (GRCh38, chr11:108,299,841, plus strand): 5'-TAAAGATGCATCTTATACCAAGGCCCTTAAGTTATTTGAAGATAAAGAACTTCAGTGGAC[C>T]TTCATAATGCTGACCTACCTGAATAACACACTGGTAGAAGATTGGTGAGTATTTATTGAT-3'
Protein context (NP_000042.3, residues 1701-1721): KLFEDKELQW[Thr1711=]FIMLTYLNNT